The following is an entry in ClinVar:

ClinVar aggregate classification (germline): Uncertain significance (1 of 4 stars; one submission).

Conditions:
Familial hypocalciuric hypercalcemia (FHH). Also called: Familial benign hypercalcemia. Identifiers: Orphanet 405, MedGen C1809471, MONDO:0018458.
Autosomal dominant hypocalcemia 1 (HYPOC1). Also called: HYPOCALCEMIA, FAMILIAL. Identifiers: MedGen C3715128, MONDO:0011013, OMIM 601198.

Submission:

Labcorp Genetics (formerly Invitae), Labcorp
Classification: Uncertain significance for Familial hypocalciuric hypercalcemia; Autosomal dominant hypocalcemia 1. Last evaluated: 2022-05-25. Review status: criteria provided, single submitter. Criteria: Invitae Variant Classification Sherloc (09022015). Collection method: clinical testing. Allele origin: germline.
Comment: This variant is not present in population databases (gnomAD no frequency). This sequence change replaces lysine, which is basic and polar, with arginine, which is basic and polar, at codon 917 of the CASR protein (p.Lys917Arg). This variant has not been reported in the literature in individuals affected with CASR-related conditions. In summary, the available evidence is currently insufficient to determine the role of this variant in disease. Therefore, it has been classified as a Variant of Uncertain Significance. Algorithms developed to predict the effect of missense changes on protein structure and function (SIFT, PolyPhen-2, Align-GVGD) all suggest that this variant is likely to be disruptive.

NM_000388.4(CASR):c.2750A>G (p.Lys917Arg)

Gene: CASR (calcium sensing receptor; plus strand). Cytogenetic location: 3q21.1.
Variant type: single nucleotide variant.
Coding change: c.2750A>G on transcript NM_000388.4 (MANE Select); coding-DNA position 2750, A replaced by G.
Protein change: p.Lys917Arg; replaces lysine 917 with arginine.
Molecular consequence: missense variant.
Genome position (GRCh38, 1-based): chr3:122,284,704, A>G. VCF-style: chr3-122284704-A-G. GRCh37 (hg19) VCF-style: chr3-122003551-A-G.
Other names: c.2780A>G, p.Lys927Arg (NM_001178065.2); short protein forms K917R, K927R.
Identifiers: ClinVar variation 2176128 (VCV002176128.4), dbSNP rs2473281738, ClinGen allele CA354160684.